The following is an entry in ClinVar:

NM_022167.4(XYLT2):c.2594G>A (p.Arg865Lys)

Gene: XYLT2 (xylosyltransferase 2; plus strand). Cytogenetic location: 17q21.33.
Variant type: single nucleotide variant.
Coding change: c.2594G>A on transcript NM_022167.4 (MANE Select); coding-DNA position 2594, G replaced by A.
Protein change: p.Arg865Lys; replaces arginine 865 with lysine.
Molecular consequence: missense variant.
Genome position (GRCh38, 1-based): chr17:50,360,287, G>A. VCF-style: chr17-50360287-G-A. GRCh37 (hg19) VCF-style: chr17-48437648-G-A.
Other names: short protein forms R865K.
Identifiers: ClinVar variation 3606852 (VCV003606852.2).
Genomic context (GRCh38, chr17:50,360,287, plus strand): 5'-GCTCTCTGTCCCCCGACCCCAAATCAGAGCTGGGGCCTGTCAAAGCAGACGGGCGACTCA[G>A]GTAGCAGGGCCCCAGCCAGTACCCGTGGAGGACCCGGGAAATTGCACCTTACAGACAGTG-3'
Protein context (NP_071450.2, residues 855-865): LGPVKADGRL[Arg865Lys]

ClinVar aggregate classification (germline): Uncertain significance (1 of 4 stars; one submission).

gnomAD v4.1: 3 of 1,586,736 alleles (0.00019%); highest among the groups gnomAD compares: Non-Finnish European, 0.00026%; no homozygotes.

Submission:

Labcorp Genetics (formerly Invitae), Labcorp
Classification: Uncertain significance. Last evaluated: 2025-10-02. Review status: criteria provided, single submitter. Criteria: Invitae Variant Classification Sherloc (09022015). Collection method: clinical testing. Allele origin: germline.
Comment: This sequence change replaces arginine, which is basic and polar, with lysine, which is basic and polar, at codon 865 of the XYLT2 protein (p.Arg865Lys). This variant is not present in population databases (gnomAD no frequency). This variant has not been reported in the literature in individuals affected with XYLT2-related conditions. ClinVar contains an entry for this variant (Variation ID: 3606852). Invitae Evidence Modeling of protein sequence and biophysical properties (such as structural, functional, and spatial information, amino acid conservation, physicochemical variation, residue mobility, and thermodynamic stability) indicates that this missense variant is expected to disrupt XYLT2 protein function with a positive predictive value of 80%. In summary, the available evidence is currently insufficient to determine the role of this variant in disease. Therefore, it has been classified as a Variant of Uncertain Significance.